The following is an entry in ClinVar:

NM_003500.4(ACOX2):c.109A>G (p.Thr37Ala)

Gene: ACOX2 (acyl-CoA oxidase 2; minus strand). Cytogenetic location: 3p14.3.
Variant type: single nucleotide variant.
Coding change: c.109A>G on transcript NM_003500.4 (MANE Select); coding-DNA position 109, A replaced by G.
Protein change: p.Thr37Ala; replaces threonine 37 with alanine.
Molecular consequence: missense variant.
Genome position (GRCh38, 1-based): chr3:58,534,998, T>C on the plus strand (A>G on the coding strand, the complement: ACOX2 is on the minus strand). VCF-style: chr3-58534998-T-C. GRCh37 (hg19) VCF-style: chr3-58520725-T-C.
Other names: c.109A>G (NM_003500.3); short protein forms T37A.
Identifiers: ClinVar variation 1949814 (VCV001949814.6), dbSNP rs1412476369, ClinGen allele CA353373415.
Genomic context (GRCh38, chr3:58,534,998, plus strand): 5'-TCCCCTTACCAACTTTCCTGCGGAGTGCAGTGTTCTGGGCACCTCCATCAAGGATGTTGG[T>C]GAGCCGTTCCACGTCAAAGGACTGCATATACCTCTCGCTCTCTATGTCGGGGTGCATTTG-3'
Protein context (NP_003491.1, residues 27-47): YMQSFDVERL[Thr37Ala]NILDGGAQNT

ClinVar aggregate classification (germline): Uncertain significance. Review status: criteria provided, multiple submitters, no conflicts (2 of 4 stars). 2 submissions from 2 submitters: Uncertain significance (2). Last evaluated 2025-05-06.

Allele frequency attached by ClinVar (database versions not stated): TOPMed below 0.00001; gnomAD 0.00001; gnomAD exomes 0.00003.
gnomAD v4.1: 56 of 1,614,110 alleles (0.0035%); highest among the groups gnomAD compares: Non-Finnish European, 0.0043%; no homozygotes.

Submissions (2):

Ambry Genetics
Classification: Uncertain significance. Last evaluated: 2025-05-06. Review status: criteria provided, single submitter. Criteria: Ambry Variant Classification Scheme 2023. Collection method: clinical testing. Allele origin: germline.

Labcorp Genetics (formerly Invitae), Labcorp
Classification: Uncertain significance. Last evaluated: 2022-07-02. Review status: criteria provided, single submitter. Criteria: Invitae Variant Classification Sherloc (09022015). Collection method: clinical testing. Allele origin: germline.
Comment: This sequence change replaces threonine, which is neutral and polar, with alanine, which is neutral and non-polar, at codon 37 of the ACOX2 protein (p.Thr37Ala). In summary, the available evidence is currently insufficient to determine the role of this variant in disease. Therefore, it has been classified as a Variant of Uncertain Significance. Algorithms developed to predict the effect of missense changes on protein structure and function are either unavailable or do not agree on the potential impact of this missense change (SIFT: "Tolerated"; PolyPhen-2: "Possibly Damaging"; Align-GVGD: "Class C0"). This variant has not been reported in the literature in individuals affected with ACOX2-related conditions. This variant is present in population databases (no rsID available, gnomAD 0.003%).